The following is an entry in ClinVar:

ClinVar aggregate classification (germline): Uncertain significance (1 of 4 stars; one submission).

Conditions:
Hereditary cancer-predisposing syndrome. Also called: Neoplastic Syndromes, Hereditary; Tumor predisposition; Hereditary Cancer Syndrome; Hereditary neoplastic syndrome. Identifiers: Orphanet 140162, MedGen C0027672, MeSH D009386, MONDO:0015356.

Submission:

Ambry Genetics
Classification: Uncertain significance for Hereditary cancer-predisposing syndrome. Last evaluated: 2024-05-10. Review status: criteria provided, single submitter. Criteria: Ambry Variant Classification Scheme 2023. Collection method: clinical testing. Allele origin: germline.
Comment: The p.P257R variant (also known as c.770C>G), located in coding exon 7 of the EPCAM gene, results from a C to G substitution at nucleotide position 770. The proline at codon 257 is replaced by arginine, an amino acid with dissimilar properties. This amino acid position is conserved. In addition, this alteration is predicted to be deleterious by in silico analysis. Since supporting evidence is limited at this time, the clinical significance of this alteration remains unclear.

NM_002354.3(EPCAM):c.770C>G (p.Pro257Arg)

Gene: EPCAM (epithelial cell adhesion molecule; plus strand). Cytogenetic location: 2p21.
Variant type: single nucleotide variant.
Coding change: c.770C>G on transcript NM_002354.3 (MANE Select); coding-DNA position 770, C replaced by G.
Protein change: p.Pro257Arg; replaces proline 257 with arginine.
Molecular consequence: missense variant.
Genome position (GRCh38, 1-based): chr2:47,379,881, C>G. VCF-style: chr2-47379881-C-G. GRCh37 (hg19) VCF-style: chr2-47607020-C-G.
Other names: short protein forms P257R.
Identifiers: ClinVar variation 1760253 (VCV001760253.3), dbSNP rs2103759157, ClinGen allele CA346724696.